The following is an entry in ClinVar:

ClinVar aggregate classification (germline): Uncertain significance. Review status: criteria provided, multiple submitters, no conflicts (2 of 4 stars). 3 submissions from 3 submitters: Uncertain significance (2). 1 of the submissions does not count toward it. Last evaluated 2025-05-19.

Conditions:
Hereditary cancer-predisposing syndrome. Also called: Neoplastic Syndromes, Hereditary; Hereditary Cancer Syndrome; Tumor predisposition; Hereditary neoplastic syndrome. Identifiers: Orphanet 140162, MedGen C0027672, MeSH D009386, MONDO:0015356.
XRCC2-related disorder. Also called: XRCC2-related condition.

gnomAD v4.1: 3 of 1,609,162 alleles (0.00019%); highest among the groups gnomAD compares: Non-Finnish European, 0.00025%; no homozygotes.

Submissions (3):

Ambry Genetics
Classification: Uncertain significance for Hereditary cancer-predisposing syndrome. Last evaluated: 2025-05-19. Review status: criteria provided, single submitter. Criteria: Ambry Variant Classification Scheme 2023. Collection method: clinical testing. Allele origin: germline.
Comment: The p.H40P variant (also known as c.119A>C), located in coding exon 2 of the XRCC2 gene, results from an A to C substitution at nucleotide position 119. The histidine at codon 40 is replaced by proline, an amino acid with similar properties. This amino acid position is conserved. In addition, this alteration is predicted to be tolerated by in silico analysis. Since supporting evidence is limited at this time, the clinical significance of this alteration remains unclear.

Labcorp Genetics (formerly Invitae), Labcorp
Classification: Uncertain significance. Last evaluated: 2024-02-11. Review status: criteria provided, single submitter. Criteria: Invitae Variant Classification Sherloc (09022015). Collection method: clinical testing. Allele origin: germline.
Comment: This sequence change replaces histidine, which is basic and polar, with proline, which is neutral and non-polar, at codon 40 of the XRCC2 protein (p.His40Pro). This variant is present in population databases (no rsID available, gnomAD 0.0009%). This variant has not been reported in the literature in individuals affected with XRCC2-related conditions. ClinVar contains an entry for this variant (Variation ID: 945178). An algorithm developed to predict the effect of missense changes on protein structure and function (PolyPhen-2) suggests that this variant is likely to be tolerated. In summary, the available evidence is currently insufficient to determine the role of this variant in disease. Therefore, it has been classified as a Variant of Uncertain Significance.

PreventionGenetics, part of Exact Sciences
Classification: Uncertain significance for XRCC2-related condition. Last evaluated: 2024-04-13. Review status: no assertion criteria provided. Collection method: clinical testing. Allele origin: germline. Not counted in ClinVar's aggregate classification.
Comment: The XRCC2 c.119A>C variant is predicted to result in the amino acid substitution p.His40Pro. To our knowledge, this variant has not been reported in the literature. This variant is reported in 0.00089% of alleles in individuals of European (Non-Finnish) descent in gnomAD. In ClinVar, this variant is interpreted as uncertain. At this time, the clinical significance of this variant is uncertain due to the absence of conclusive functional and genetic evidence.

NM_005431.2(XRCC2):c.119A>C (p.His40Pro)

Gene: XRCC2 (X-ray repair cross complementing 2; minus strand). Cytogenetic location: 7q36.1.
Variant type: single nucleotide variant.
Coding change: c.119A>C on transcript NM_005431.2 (MANE Select); coding-DNA position 119, A replaced by C.
Protein change: p.His40Pro; replaces histidine 40 with proline.
Molecular consequence: missense variant.
Genome position (GRCh38, 1-based): chr7:152,660,703, T>G on the plus strand (A>C on the coding strand, the complement: XRCC2 is on the minus strand). VCF-style: chr7-152660703-T-G. GRCh37 (hg19) VCF-style: chr7-152357788-T-G.
Other names: short protein forms H40P.
Identifiers: ClinVar variation 945178 (VCV000945178.13), dbSNP rs777753452, ClinGen allele CA370199398.
Genomic context (GRCh38, chr7:152,660,703, plus strand): 5'-TGTGAAAAATCCTTTTATAAAGATTTGCATTTATTTATATAAAGGTTGTATTTTTTACCA[T>G]GCACAGGTGAATCTTCATCAGCAAACAGATTTGGTTCTATTTCTTTCAAGGAACTTCTAC-3'
Protein context (NP_005422.1, residues 30-50): NLFADEDSPV[His40Pro]GDILEFHGPE